The following is an entry in ClinVar:

ClinVar aggregate classification (germline): Uncertain significance (1 of 4 stars; one submission).

Submission:

Labcorp Genetics (formerly Invitae), Labcorp
Classification: Uncertain significance. Last evaluated: 2025-08-25. Review status: criteria provided, single submitter. Criteria: Invitae Variant Classification Sherloc (09022015). Collection method: clinical testing. Allele origin: germline.
Comment: This sequence change replaces proline, which is neutral and non-polar, with alanine, which is neutral and non-polar, at codon 387 of the LOX protein (p.Pro387Ala). This variant is not present in population databases (gnomAD no frequency). This variant has not been reported in the literature in individuals affected with LOX-related conditions. ClinVar contains an entry for this variant (Variation ID: 1481879). Invitae Evidence Modeling of protein sequence and biophysical properties (such as structural, functional, and spatial information, amino acid conservation, physicochemical variation, residue mobility, and thermodynamic stability) has been performed for this missense variant. However, the output from this modeling did not meet the statistical confidence thresholds required to predict the impact of this variant on LOX protein function. In summary, the available evidence is currently insufficient to determine the role of this variant in disease. Therefore, it has been classified as a Variant of Uncertain Significance.

NM_002317.7(LOX):c.1159C>G (p.Pro387Ala)

Genes: LOX (lysyl oxidase; minus strand), SRFBP1 (serum response factor binding protein 1; plus strand). Cytogenetic location: 5q23.1.
Variant type: single nucleotide variant.
Coding change: c.1159C>G on transcript NM_002317.7 (MANE Select); coding-DNA position 1159, C replaced by G.
Protein change: p.Pro387Ala; replaces proline 387 with alanine.
Molecular consequence: missense variant.
Genome position (GRCh38, 1-based): chr5:122,070,141, G>C on the plus strand (C>G on the coding strand, the complement: LOX is on the minus strand). VCF-style: chr5-122070141-G-C. GRCh37 (hg19) VCF-style: chr5-121405836-G-C.
Other names: c.469C>G, p.Pro157Ala (NM_001178102.2); c.268C>G, p.Pro90Ala (NM_001317073.1); short protein forms P157A, P90A, P387A.
Identifiers: ClinVar variation 1481879 (VCV001481879.8), dbSNP rs1561417251, ClinGen allele CA360880309.